The following is an entry in ClinVar:

NM_002160.4(TNC):c.6218G>C (p.Arg2073Pro)

Gene: TNC (tenascin C; minus strand). Cytogenetic location: 9q33.1.
Variant type: single nucleotide variant.
Coding change: c.6218G>C on transcript NM_002160.4 (MANE Select); coding-DNA position 6218, G replaced by C.
Protein change: p.Arg2073Pro; replaces arginine 2073 with proline.
Molecular consequence: missense variant.
Genome position (GRCh38, 1-based): chr9:115,026,647, C>G on the plus strand (G>C on the coding strand, the complement: TNC is on the minus strand). VCF-style: chr9-115026647-C-G. GRCh37 (hg19) VCF-style: chr9-117788926-C-G.
Other names: c.5672G>C, p.Arg1891Pro (NM_001410991.1, NM_001439083.1, NM_001439084.1 and 2 more transcripts); c.6767G>C, p.Arg2256Pro (NM_001439065.1, NM_001439066.1, NM_001439067.1); c.6494G>C, p.Arg2165Pro (NM_001439068.1, NM_001439069.1, NM_001439070.1); c.6491G>C, p.Arg2164Pro (NM_001439071.1); c.6221G>C, p.Arg2074Pro (NM_001439072.1, NM_001439073.1); c.6218G>C, p.Arg2073Pro (NM_001439074.1, NM_001439075.1, NM_001439076.1); c.5945G>C, p.Arg1982Pro (NM_001439077.1, NM_001439078.1, NM_001439079.1 and 3 more transcripts); c.5399G>C, p.Arg1800Pro (NM_001439087.1, NM_001439088.1); and 4 more; short protein forms R1436P, R1527P, R1618P, R1709P, R1800P, R1891P, R1982P, R2073P.
Identifiers: ClinVar variation 4885124 (VCV004885124.2).

ClinVar aggregate classification (germline): Uncertain significance (1 of 4 stars; one submission).

Submission:

Dasa
Classification: Uncertain significance. Last evaluated: 2024-12-01. Review status: criteria provided, single submitter. Criteria: DASA Assertion Criteria. Collection method: clinical testing. Allele origin: germline.
Comment: NM_002160.4(TNC):c.6218G>C (p.Arg2073Pro) is a missense variant that results in the substitution of arginine with proline. This variant is absent from population databases. Computational prediction algorithms are consistent with a deleterious effect. The currently available literature and clinical evidence are not sufficient to establish a definitive association between this variant and the reported condition. Therefore, this variant is classified as a variant of uncertain significance.